The following is an entry in ClinVar:

NM_032043.3(BRIP1):c.823A>T (p.Ile275Phe)

Gene: BRIP1 (BRCA1 interacting DNA helicase 1; minus strand). Cytogenetic location: 17q23.2.
Variant type: single nucleotide variant.
Coding change: c.823A>T on transcript NM_032043.3 (MANE Select); coding-DNA position 823, A replaced by T.
Protein change: p.Ile275Phe; replaces isoleucine 275 with phenylalanine.
Molecular consequence: missense variant.
Genome position (GRCh38, 1-based): chr17:61,808,562, T>A on the plus strand (A>T on the coding strand, the complement: BRIP1 is on the minus strand). VCF-style: chr17-61808562-T-A. GRCh37 (hg19) VCF-style: chr17-59885923-T-A.
Other names: short protein forms I275F.
Identifiers: ClinVar variation 856533 (VCV000856533.13), dbSNP rs587781425, ClinGen allele CA400484841.
Genomic context (GRCh38, chr17:61,808,562, plus strand): 5'-TTCTGTTGAAGTTACCGACTACCTCAGGATGGACACAAGTATGATCCCTGCTGGAAAGAA[T>A]AGTCATTGGAACCCCTGAATATGCCGTCCTCCGGAGCTCTCTAGTAATCTGAGCAATCTG-3'
Protein context (NP_114432.2, residues 265-285): RTAYSGVPMT[Ile275Phe]LSSRDHTCVH

ClinVar aggregate classification (germline): Uncertain significance. Review status: criteria provided, multiple submitters, no conflicts (2 of 4 stars). 2 submissions from 2 submitters: Uncertain significance (2). Last evaluated 2025-07-07.

Conditions:
Hereditary cancer-predisposing syndrome. Also called: Hereditary neoplastic syndrome; Tumor predisposition; Neoplastic Syndromes, Hereditary; Hereditary Cancer Syndrome. Identifiers: Orphanet 140162, MedGen C0027672, MeSH D009386, MONDO:0015356.
Fanconi anemia complementation group J. Also called: BRIP1-Related Fanconi Anemia. Identifiers: Orphanet 84, MedGen C1836860, MONDO:0012187, OMIM 609054.
Familial cancer of breast. Also called: hereditary breast carcinoma; BREAST CANCER, FAMILIAL; Hereditary breast cancer. Identifiers: Orphanet 227535, MedGen C0346153, MONDO:0016419, OMIM 114480. Disease mechanism: loss of function.

Submissions (2):

Ambry Genetics
Classification: Uncertain significance for Hereditary cancer-predisposing syndrome. Last evaluated: 2025-07-07. Review status: criteria provided, single submitter. Criteria: Ambry Variant Classification Scheme 2023. Collection method: clinical testing. Allele origin: germline.
Comment: The p.I275F variant (also known as c.823A>T), located in coding exon 6 of the BRIP1 gene, results from an A to T substitution at nucleotide position 823. The isoleucine at codon 275 is replaced by phenylalanine, an amino acid with highly similar properties. This amino acid position is highly conserved in available vertebrate species. In addition, the in silico prediction for this alteration is inconclusive. Since supporting evidence is limited at this time, the clinical significance of this alteration remains unclear.

Labcorp Genetics (formerly Invitae), Labcorp
Classification: Uncertain significance for Familial cancer of breast; Fanconi anemia complementation group J. Last evaluated: 2023-10-04. Review status: criteria provided, single submitter. Criteria: Invitae Variant Classification Sherloc (09022015). Collection method: clinical testing. Allele origin: germline.
Comment: This sequence change replaces isoleucine, which is neutral and non-polar, with phenylalanine, which is neutral and non-polar, at codon 275 of the BRIP1 protein (p.Ile275Phe). This variant is not present in population databases (gnomAD no frequency). This variant has not been reported in the literature in individuals affected with BRIP1-related conditions. ClinVar contains an entry for this variant (Variation ID: 856533). Advanced modeling of protein sequence and biophysical properties (such as structural, functional, and spatial information, amino acid conservation, physicochemical variation, residue mobility, and thermodynamic stability) performed at Invitae indicates that this missense variant is expected to disrupt BRIP1 protein function. In summary, the available evidence is currently insufficient to determine the role of this variant in disease. Therefore, it has been classified as a Variant of Uncertain Significance.